The following is an entry in ClinVar:

ClinVar aggregate classification (germline): Uncertain significance (1 of 4 stars; one submission).

Conditions:
3-methylcrotonyl-CoA carboxylase 1 deficiency (MCC1D). Also called: MCCD TYPE 1; METHYLCROTONYLGLYCINURIA TYPE I; MCC 1 deficiency; 3 Alpha methylcrotonylglycinuria 1. Identifiers: Orphanet 6, MedGen CN028786, MONDO:0008861, OMIM 210200.

Submission:

Labcorp Genetics (formerly Invitae), Labcorp
Classification: Uncertain significance for 3-methylcrotonyl-CoA carboxylase 1 deficiency. Last evaluated: 2021-09-10. Review status: criteria provided, single submitter. Criteria: Invitae Variant Classification Sherloc (09022015). Collection method: clinical testing. Allele origin: germline.
Comment: This sequence change replaces arginine with lysine at codon 63 of the MCCC1 protein (p.Arg63Lys). The arginine residue is highly conserved and there is a small physicochemical difference between arginine and lysine. This variant is not present in population databases (ExAC no frequency). This variant has not been reported in the literature in individuals affected with MCCC1-related conditions. Algorithms developed to predict the effect of missense changes on protein structure and function are either unavailable or do not agree on the potential impact of this missense change (SIFT: "Deleterious"; PolyPhen-2: "Benign"; Align-GVGD: "Class C25"). In summary, the available evidence is currently insufficient to determine the role of this variant in disease. Therefore, it has been classified as a Variant of Uncertain Significance.

NM_020166.5(MCCC1):c.188G>A (p.Arg63Lys)

Gene: MCCC1 (methylcrotonyl-CoA carboxylase subunit 1; minus strand). Cytogenetic location: 3q27.1.
Variant type: single nucleotide variant.
Coding change: c.188G>A on transcript NM_020166.5 (MANE Select); coding-DNA position 188, G replaced by A.
Protein change: p.Arg63Lys; replaces arginine 63 with lysine.
Molecular consequence: missense variant. On other transcripts: non-coding transcript variant (1), intron variant (2).
Genome position (GRCh38, 1-based): chr3:183,092,494, C>T on the plus strand (G>A on the coding strand, the complement: MCCC1 is on the minus strand). VCF-style: chr3-183092494-C-T. GRCh37 (hg19) VCF-style: chr3-182810282-C-T.
Other names: c.-55+2065G>A (NM_001363880.1); c.44+2065G>A (NM_001293273.2); short protein forms R63K.
Identifiers: ClinVar variation 1380546 (VCV001380546.1), dbSNP rs2108565998, ClinGen allele CA355321736.